The following is an entry in ClinVar:

ClinVar aggregate classification (germline): Likely pathogenic (1 of 4 stars; one submission).

Conditions:
Abetalipoproteinaemia (ABL). Also called: Abetalipoproteinemia; Abetalipoproteinemia neuropathy; Apolipoprotein B deficiency; Congenital betalipoprotein deficiency syndrome; MTP DEFICIENCY. Identifiers: Orphanet 14, MedGen C0000744, MONDO:0008692, OMIM 200100, HP:0008181.

Submission:

Myriad Genetics, Inc.
Classification: Likely pathogenic for Abetalipoproteinaemia. Last evaluated: 2022-03-30. Review status: criteria provided, single submitter. Criteria: Myriad Women's Health Autosomal Recessive and X-Linked Classification Criteria (2021). Collection method: clinical testing. Allele origin: unknown.
Comment: NM_000253.2(MTTP):c.808G>T(G270*) is expected to be pathogenic in the context of abetalipoproteinemia. This variant is predicted to lead to an abnormal or absent protein product due to the creation of a premature termination codon in MTTP, a gene where loss-of-function variants are known to be pathogenic. Please note: this variant was assessed in the context of healthy population screening.

NM_001386140.1(MTTP):c.808G>T (p.Gly270Ter)

Gene: MTTP (microsomal triglyceride transfer protein; plus strand). Cytogenetic location: 4q23.
Variant type: single nucleotide variant.
Coding change: c.808G>T on transcript NM_001386140.1 (MANE Select); coding-DNA position 808, G replaced by T.
Protein change: p.Gly270Ter; replaces glycine 270 with a stop codon.
Molecular consequence: nonsense.
Genome position (GRCh38, 1-based): chr4:99,594,782, G>T. VCF-style: chr4-99594782-G-T. GRCh37 (hg19) VCF-style: chr4-100515939-G-T.
Other names: c.808G>T, p.Gly270Ter (NM_000253.4); c.559G>T, p.Gly187Ter (NM_001300785.2); short protein forms G187*, G270*.
Identifiers: ClinVar variation 1725668 (VCV001725668.2), dbSNP rs2476113393, ClinGen allele CA357505747.
Genomic context (GRCh38, chr4:99,594,782, plus strand): 5'-GTATTATGCAGGCAGAAATTAGAGCTGAAGACAACCGAAGCAGGCCCAAGATTGATGTCT[G>T]GAAAGCAGGCTGCAGCCATAATCAAAGCAGTTGATTCAAAGTACACGGCCATTCCCATTG-3'